The following is an entry in ClinVar:

ClinVar aggregate classification (germline): Uncertain significance. Review status: criteria provided, multiple submitters, no conflicts (2 of 4 stars). 2 submissions from 2 submitters: Uncertain significance (2). Last evaluated 2022-08-09.

Conditions:
Hereditary cancer-predisposing syndrome. Also called: Hereditary neoplastic syndrome; Tumor predisposition; Neoplastic Syndromes, Hereditary; Hereditary Cancer Syndrome. Identifiers: Orphanet 140162, MedGen C0027672, MeSH D009386, MONDO:0015356.
Hereditary diffuse gastric adenocarcinoma (HDGC). Also called: DIFFUSE GASTRIC AND LOBULAR BREAST CANCER SYNDROME. Identifiers: Orphanet 26106, MedGen C1708349, MONDO:0007648, OMIM 137215.

Submissions (2):

Labcorp Genetics (formerly Invitae), Labcorp
Classification: Uncertain significance for Hereditary diffuse gastric adenocarcinoma. Last evaluated: 2022-08-09. Review status: criteria provided, single submitter. Criteria: Invitae Variant Classification Sherloc (09022015). Collection method: clinical testing. Allele origin: germline.
Comment: Algorithms developed to predict the effect of missense changes on protein structure and function are either unavailable or do not agree on the potential impact of this missense change (SIFT: "Tolerated"; PolyPhen-2: "Probably Damaging"; Align-GVGD: "Class C0"). This variant is not present in population databases (gnomAD no frequency). This variant has not been reported in the literature in individuals affected with CDH1-related conditions. In summary, the available evidence is currently insufficient to determine the role of this variant in disease. Therefore, it has been classified as a Variant of Uncertain Significance. This sequence change replaces tyrosine, which is neutral and polar, with phenylalanine, which is neutral and non-polar, at codon 876 of the CDH1 protein (p.Tyr876Phe).

Ambry Genetics
Classification: Uncertain significance for Hereditary cancer-predisposing syndrome. Last evaluated: 2020-09-22. Review status: criteria provided, single submitter. Criteria: Ambry Variant Classification Scheme 2023. Collection method: clinical testing. Allele origin: germline.
Comment: The p.Y876F variant (also known as c.2627A>T), located in coding exon 16 of the CDH1 gene, results from an A to T substitution at nucleotide position 2627. The tyrosine at codon 876 is replaced by phenylalanine, an amino acid with highly similar properties. This amino acid position is highly conserved in available vertebrate species. In addition, the in silico prediction for this alteration is inconclusive. Since supporting evidence is limited at this time, the clinical significance of this alteration remains unclear.

NM_004360.5(CDH1):c.2627A>T (p.Tyr876Phe)

Gene: CDH1 (cadherin 1; plus strand). Cytogenetic location: 16q22.1.
Variant type: single nucleotide variant.
Coding change: c.2627A>T on transcript NM_004360.5 (MANE Select); coding-DNA position 2627, A replaced by T.
Protein change: p.Tyr876Phe; replaces tyrosine 876 with phenylalanine.
Molecular consequence: missense variant.
Genome position (GRCh38, 1-based): chr16:68,833,477, A>T. VCF-style: chr16-68833477-A-T. GRCh37 (hg19) VCF-style: chr16-68867380-A-T.
Other names: c.2444A>T, p.Tyr815Phe (NM_001317184.2); c.1079A>T, p.Tyr360Phe (NM_001317185.2); c.662A>T, p.Tyr221Phe (NM_001317186.2); short protein forms Y221F, Y360F, Y815F, Y876F.
Identifiers: ClinVar variation 1715892 (VCV001715892.8), dbSNP rs2152144226, ClinGen allele CA396472839.
Genomic context (GRCh38, chr16:68,833,477, plus strand): 5'-ACCAGGACTATGACTACTTGAACGAATGGGGCAATCGCTTCAAGAAGCTGGCTGACATGT[A>T]CGGAGGCGGCGAGGACGACTAGGGGACTCGAGAGAGGCGGGCCCCAGACCCATGTGCTGG-3'
Protein context (NP_004351.1, residues 866-882): GNRFKKLADM[Tyr876Phe]GGGEDD